The following is an entry in ClinVar:

ClinVar aggregate classification (germline): Uncertain significance. Review status: criteria provided, multiple submitters, no conflicts (2 of 4 stars). 2 submissions from 2 submitters: Uncertain significance (2). Last evaluated 2025-05-05.

Conditions:
Seckel syndrome 7 (SCKL7). Identifiers: Orphanet 319675, MedGen C3553870, MONDO:0013922, OMIM 614851.

Allele frequency attached by ClinVar (database versions not stated): ExAC 0.00002; gnomAD 0.00002; gnomAD exomes 0.00003; TOPMed 0.00006; ESP Exome Variant Server 0.00008.
gnomAD v4.1: 62 of 1,614,202 alleles (0.0038%); highest among the groups gnomAD compares: East Asian, 0.0089%; no homozygotes.

Submissions (2):

Labcorp Genetics (formerly Invitae), Labcorp
Classification: Uncertain significance. Last evaluated: 2025-05-05. Review status: criteria provided, single submitter. Criteria: Invitae Variant Classification Sherloc (09022015). Collection method: clinical testing. Allele origin: germline.
Comment: This sequence change replaces valine, which is neutral and non-polar, with methionine, which is neutral and non-polar, at codon 117 of the NIN protein (p.Val117Met). This variant is present in population databases (rs374373270, gnomAD 0.02%). This variant has not been reported in the literature in individuals affected with NIN-related conditions. ClinVar contains an entry for this variant (Variation ID: 931904). An algorithm developed to predict the effect of missense changes on protein structure and function (PolyPhen-2) suggests that this variant is likely to be disruptive. In summary, the available evidence is currently insufficient to determine the role of this variant in disease. Therefore, it has been classified as a Variant of Uncertain Significance.

Centre for Mendelian Genomics, University Medical Centre Ljubljana
Classification: Uncertain significance for Seckel syndrome 7. Last evaluated: 2018-11-19. Review status: criteria provided, single submitter. Criteria: ACMG Guidelines, 2015. Collection method: clinical testing. Allele origin: unknown. Affected: yes.
Comment: This variant was classified as: Uncertain significance. The available evidence on this variant's pathogenicity is insufficient or conflicting. The following ACMG criteria were applied in classifying this variant: PM2,BP4.

NM_020921.4(NIN):c.349G>A (p.Val117Met)

Gene: NIN (ninein; minus strand). Cytogenetic location: 14q22.1.
Variant type: single nucleotide variant.
Coding change: c.349G>A on transcript NM_020921.4 (MANE Select); coding-DNA position 349, G replaced by A.
Protein change: p.Val117Met; replaces valine 117 with methionine.
Molecular consequence: missense variant.
Genome position (GRCh38, 1-based): chr14:50,792,798, C>T on the plus strand (G>A on the coding strand, the complement: NIN is on the minus strand). VCF-style: chr14-50792798-C-T. GRCh37 (hg19) VCF-style: chr14-51259516-C-T.
Other names: c.349G>A, p.Val117Met (NM_182944.3, NM_182946.2, NM_016350.5); short protein forms V117M.
Identifiers: ClinVar variation 931904 (VCV000931904.6), dbSNP rs374373270, ClinGen allele CA7182515.
Genomic context (GRCh38, chr14:50,792,798, plus strand): 5'-GTGAAGGCCGCGCTTCTTCATCCAGTGGCTCAATCACCGTCACTTCAGGAAACTCCTCCA[C>T]GGACTCTTGGAACTCGGGCAAGGACCTTCGTCCGTAACGCTTCCCACCTCTAACATATTT-3'
Protein context (NP_065972.4, residues 107-127): RRSLPEFQES[Val117Met]EEFPEVTVIE